The following is an entry in ClinVar:

ClinVar aggregate classification (germline): Uncertain significance (1 of 4 stars; one submission).

Submission:

GeneDx
Classification: Uncertain significance. Last evaluated: 2022-03-11. Review status: criteria provided, single submitter. Criteria: GeneDx Variant Classification Process June 2021. Collection method: clinical testing. Allele origin: germline. Affected: yes.
Comment: Not observed at significant frequency in large population cohorts (gnomAD); In silico analysis supports that this missense variant does not alter protein structure/function; Previously observed in an individual with Tourette syndrome (TS) and the authors propose that variants in the ASHL1 gene may be a risk factor for TS (Liu et al., 2020); This variant is associated with the following publications: (PMID: 31673123)

NM_018489.3(ASH1L):c.1673C>T (p.Pro558Leu)

Gene: ASH1L (ASH1 like histone lysine methyltransferase; minus strand). Cytogenetic location: 1q22.
Variant type: single nucleotide variant.
Coding change: c.1673C>T on transcript NM_018489.3 (MANE Select); coding-DNA position 1673, C replaced by T.
Protein change: p.Pro558Leu; replaces proline 558 with leucine.
Molecular consequence: missense variant.
Genome position (GRCh38, 1-based): chr1:155,481,197, G>A on the plus strand (C>T on the coding strand, the complement: ASH1L is on the minus strand). VCF-style: chr1-155481197-G-A. GRCh37 (hg19) VCF-style: chr1-155450988-G-A.
Other names: c.1673C>T, p.Pro558Leu (NM_001366177.2); short protein forms P558L.
Identifiers: ClinVar variation 1704899 (VCV001704899.2), dbSNP rs2527193107, ClinGen allele CA342731946.